The following is an entry in ClinVar:

ClinVar aggregate classification (germline): Uncertain significance (1 of 4 stars; one submission).

Conditions:
Spastic paraplegia. Identifiers: MedGen C0037772, HP:0001258.

Allele frequency attached by ClinVar (database versions not stated): gnomAD exomes 0.00001; ExAC 0.00003; gnomAD 0.00003; 1000 Genomes Project 30x 0.00016; 1000 Genomes Project 0.00020.
gnomAD v4.1: 17 of 1,613,722 alleles (0.0011%); highest among the groups gnomAD compares: East Asian, 0.0089%; no homozygotes.

Submission:

Labcorp Genetics (formerly Invitae), Labcorp
Classification: Uncertain significance for Spastic paraplegia. Last evaluated: 2024-02-17. Review status: criteria provided, single submitter. Criteria: Invitae Variant Classification Sherloc (09022015). Collection method: clinical testing. Allele origin: germline.
Comment: This sequence change creates a premature translational stop signal (p.Trp114*) in the AP4S1 gene. While this is not anticipated to result in nonsense mediated decay, it is expected to disrupt the last 46 amino acid(s) of the AP4S1 protein. This variant is present in population databases (rs571583264, gnomAD 0.02%). This variant has not been reported in the literature in individuals affected with AP4S1-related conditions. ClinVar contains an entry for this variant (Variation ID: 1362328). Algorithms developed to predict the effect of sequence changes on RNA splicing suggest that this variant may disrupt the consensus splice site. In summary, the available evidence is currently insufficient to determine the role of this variant in disease. Therefore, it has been classified as a Variant of Uncertain Significance.

NM_001128126.3(AP4S1):c.306+35G>A

Gene: AP4S1 (adaptor related protein complex 4 subunit sigma 1; plus strand). Cytogenetic location: 14q12.
Variant type: single nucleotide variant.
Coding change: c.306+35G>A on transcript NM_001128126.3 (MANE Select); 35 bases into the intron after coding-DNA position 306, G replaced by A.
Molecular consequence: intron variant. On other transcripts: nonsense (2).
Genome position (GRCh38, 1-based): chr14:31,080,619, G>A. VCF-style: chr14-31080619-G-A. GRCh37 (hg19) VCF-style: chr14-31549825-G-A.
Other names: c.341G>A, p.Trp114Ter (NM_001254727.2, NM_007077.5); c.306+35G>A (NM_001254729.2, NM_001254728.2); c.295-4150G>A (NM_001254726.2); short protein forms W114*.
Identifiers: ClinVar variation 1362328 (VCV001362328.6), dbSNP rs571583264, ClinGen allele CA7144243.